The following is an entry in ClinVar:

NM_000717.5(CA4):c.417G>A (p.Met139Ile)

Gene: CA4 (carbonic anhydrase 4; plus strand). Cytogenetic location: 17q23.1.
Variant type: single nucleotide variant.
Coding change: c.417G>A on transcript NM_000717.5 (MANE Select); coding-DNA position 417, G replaced by A.
Protein change: p.Met139Ile; replaces methionine 139 with isoleucine.
Molecular consequence: missense variant. On other transcripts: non-coding transcript variant (1).
Genome position (GRCh38, 1-based): chr17:60,157,692, G>A. VCF-style: chr17-60157692-G-A. GRCh37 (hg19) VCF-style: chr17-58235053-G-A.
Other names: short protein forms M139I.
Identifiers: ClinVar variation 969497 (VCV000969497.8), dbSNP rs2083714838, ClinGen allele CA400455871.
Genomic context (GRCh38, chr17:60,157,692, plus strand): 5'-CAAGGAGGGTAGTCCAGGCCCTTCATAGGTCCCCTTTTCACCCCTCCACCCCGACCAGAT[G>A]CACATAGTACATGAGAAAGAGAAGGGGACATCGAGGAATGTGAAAGAGGCCCAGGACCCT-3'
Protein context (NP_000708.1, residues 129-149): SLDGEHFAME[Met139Ile]HIVHEKEKGT

ClinVar aggregate classification (germline): Uncertain significance (1 of 4 stars; one submission).

Submission:

Labcorp Genetics (formerly Invitae), Labcorp
Classification: Uncertain significance. Last evaluated: 2019-10-16. Review status: criteria provided, single submitter. Criteria: Invitae Variant Classification Sherloc (09022015). Collection method: clinical testing. Allele origin: germline.
Comment: This variant has not been reported in the literature in individuals with CA4-related conditions. Algorithms developed to predict the effect of missense changes on protein structure and function output the following: SIFT: "Tolerated"; PolyPhen-2: "Benign"; Align-GVGD: "Class C0". The isoleucine amino acid residue is found in multiple mammalian species, suggesting that this missense change does not adversely affect protein function. These predictions have not been confirmed by published functional studies and their clinical significance is uncertain. This sequence change replaces methionine with isoleucine at codon 139 of the CA4 protein (p.Met139Ile). The methionine residue is weakly conserved and there is a small physicochemical difference between methionine and isoleucine. This variant is not present in population databases (ExAC no frequency). In summary, the available evidence is currently insufficient to determine the role of this variant in disease. Therefore, it has been classified as a Variant of Uncertain Significance.